The following is an entry in ClinVar:

ClinVar aggregate classification (germline): Likely benign. Review status: criteria provided, multiple submitters, no conflicts (2 of 4 stars). 4 submissions from 4 submitters: Likely benign (4). Last evaluated 2023-12-13.

Conditions:
Cardiovascular phenotype. Identifiers: MedGen CN230736.
Hypertrophic cardiomyopathy. Also called: HYPERTROPHIC MYOCARDIOPATHY. Identifiers: Orphanet 217569, MedGen C0007194, MeSH D002312, MONDO:0005045, HP:0001639.
Cardiomyopathy (CMYO). Also called: Cardiomyopathies. Identifiers: Orphanet 167848, MedGen C0878544, MONDO:0004994, HP:0001638. Inheritance: Various modes of inheritance.
Lethal congenital glycogen storage disease of heart. Also called: GLYCOGEN STORAGE DISEASE OF HEART; PHOSPHORYLASE KINASE DEFICIENCY OF HEART. Identifiers: Orphanet 439854, MedGen C1849813, MONDO:0009867, OMIM 261740.

Allele frequency attached by ClinVar (database versions not stated): TOPMed 0.00001.

Submissions (4):

All of Us Research Program, National Institutes of Health
Classification: Likely benign for Hypertrophic cardiomyopathy. Last evaluated: 2023-12-13. Review status: criteria provided, single submitter. Criteria: ACMG Guidelines, 2015. Collection method: clinical testing. Allele origin: germline. Inheritance: Autosomal dominant inheritance. Observed: 6 variant alleles, 6 heterozygotes.
Comment: This study involves interpretation of variants in research participants for the purpose of population health screening. Participant phenotype was not available at the time of variant classification. Additional details can be found in publication PMID: 35346344, PMCID: PMC8962531

Labcorp Genetics (formerly Invitae), Labcorp
Classification: Likely benign for Lethal congenital glycogen storage disease of heart. Last evaluated: 2023-04-15. Review status: criteria provided, single submitter. Criteria: Invitae Variant Classification Sherloc (09022015). Collection method: clinical testing. Allele origin: germline.

Ambry Genetics
Classification: Likely benign for Cardiovascular phenotype. Last evaluated: 2022-03-23. Review status: criteria provided, single submitter. Criteria: Ambry Variant Classification Scheme 2023. Collection method: clinical testing. Allele origin: germline.

Color Diagnostics, LLC DBA Color Health
Classification: Likely benign for Cardiomyopathy. Last evaluated: 2019-03-22. Review status: criteria provided, single submitter. Criteria: ACMG Guidelines, 2015. Collection method: clinical testing. Allele origin: germline.

NM_016203.4(PRKAG2):c.1560C>T (p.Ile520=)

Gene: PRKAG2 (protein kinase AMP-activated non-catalytic subunit gamma 2; minus strand). Cytogenetic location: 7q36.1.
Variant type: single nucleotide variant.
Coding change: c.1560C>T on transcript NM_016203.4 (MANE Select); coding-DNA position 1560, C replaced by T.
Protein change: p.Ile520=; no amino-acid change (isoleucine 520 retained).
Molecular consequence: synonymous variant.
Genome position (GRCh38, 1-based): chr7:151,564,102, G>A on the plus strand (C>T on the coding strand, the complement: PRKAG2 is on the minus strand). VCF-style: chr7-151564102-G-A. GRCh37 (hg19) VCF-style: chr7-151261188-G-A.
Other names: c.1428C>T, p.Ile476= (NM_001040633.2); c.1185C>T, p.Ile395= (NM_001304527.2); c.837C>T, p.Ile279= (NM_001304531.2, NM_024429.2); c.1188C>T, p.Ile396= (NM_001363698.2); c.1560C>T (NM_016203.3).
Identifiers: ClinVar variation 925659 (VCV000925659.8), dbSNP rs376762359, ClinGen allele CA055362.